The following is an entry in ClinVar:

NM_003072.5(SMARCA4):c.1996G>T (p.Glu666Ter)

Gene: SMARCA4 (SWI/SNF related BAF chromatin remodeling complex subunit ATPase 4; plus strand). Cytogenetic location: 19p13.2.
Variant type: single nucleotide variant.
Coding change: c.1996G>T on transcript NM_003072.5 (MANE Select); coding-DNA position 1996, G replaced by T.
Protein change: p.Glu666Ter; replaces glutamic acid 666 with a stop codon.
Molecular consequence: nonsense. On other transcripts: non-coding transcript variant (1).
Genome position (GRCh38, 1-based): chr19:11,003,392, G>T. VCF-style: chr19-11003392-G-T. GRCh37 (hg19) VCF-style: chr19-11114068-G-T.
Other names: c.1996G>T, p.Glu666Ter (NM_001128844.3, NM_001128845.2, NM_001128847.4 and 6 more transcripts); c.1996G>T (NM_001128849.1); short protein forms E666*.
Identifiers: ClinVar variation 2840092 (VCV002840092.4), dbSNP rs2146109671, ClinGen allele CA404052321.

ClinVar aggregate classification (germline): Pathogenic. Review status: criteria provided, multiple submitters, no conflicts (2 of 4 stars). 2 submissions from 2 submitters: Pathogenic (2). Last evaluated 2024-09-22.

Conditions:
Hereditary cancer-predisposing syndrome. Also called: Tumor predisposition; Neoplastic Syndromes, Hereditary; Hereditary Cancer Syndrome; Hereditary neoplastic syndrome. Identifiers: Orphanet 140162, MedGen C0027672, MeSH D009386, MONDO:0015356.
Rhabdoid tumor predisposition syndrome 2 (RTPS2). Identifiers: Orphanet 231108, Orphanet 69077, MedGen C2750074, MONDO:0013224, OMIM 613325.

Submissions (2):

Ambry Genetics
Classification: Pathogenic for Hereditary cancer-predisposing syndrome. Last evaluated: 2024-09-22. Review status: criteria provided, single submitter. Criteria: Ambry Variant Classification Scheme 2023. Collection method: clinical testing. Allele origin: germline.
Comment: The p.E666* pathogenic mutation (also known as c.1996G>T), located in coding exon 12 of the SMARCA4 gene, results from a G to T substitution at nucleotide position 1996. This changes the amino acid from a glutamic acid to a stop codon within coding exon 12. This alteration is expected to result in loss of function by premature protein truncation or nonsense-mediated mRNA decay. Loss-of-function variants in SMARCA4 are known to cause rhabdoid tumor predisposition syndrome including small cell carcinoma of the ovary-hypercalcemic type (SCCOHT); however, such associations with neurodevelopmental disorders are exceedingly rare (Kosho T et al. Am J Med Genet C Semin Med Genet. 2014 Sep;166C(3):262-75; Jelinic P et al. Nat Genet. 2014 May;46(5):424-6). Based on the supporting evidence, this alteration is pathogenic for rhabdoid tumor predisposition syndrome; however, the association of this alteration with Coffin-Siris syndrome is unlikely.

Labcorp Genetics (formerly Invitae), Labcorp
Classification: Pathogenic for Rhabdoid tumor predisposition syndrome 2. Last evaluated: 2023-04-07. Review status: criteria provided, single submitter. Criteria: Invitae Variant Classification Sherloc (09022015). Collection method: clinical testing. Allele origin: germline.
Comment: For these reasons, this variant has been classified as Pathogenic. This variant has not been reported in the literature in individuals affected with SMARCA4-related conditions. This variant is not present in population databases (gnomAD no frequency). This sequence change creates a premature translational stop signal (p.Glu666*) in the SMARCA4 gene. It is expected to result in an absent or disrupted protein product. Loss-of-function variants in SMARCA4 are known to be pathogenic (PMID: 24658001, 24658002).

Literature cited by the submitters: PubMed 24658001 (cited by Labcorp Genetics (formerly Invitae), Labcorp); PubMed 24658002 (cited by Labcorp Genetics (formerly Invitae), Labcorp).